The following is an entry in ClinVar:

ClinVar aggregate classification (germline): Uncertain significance. Review status: criteria provided, multiple submitters, no conflicts (2 of 4 stars). 2 submissions from 2 submitters: Uncertain significance (2). Last evaluated 2024-10-18.

Conditions:
DICER1-related tumor predisposition. Also called: DICER1 syndrome; DICER1-related pleuropulmonary blastoma cancer predisposition syndrome. Identifiers: Orphanet 284343, MedGen C3839822, MONDO:0100216.
Hereditary cancer-predisposing syndrome. Also called: Neoplastic Syndromes, Hereditary; Tumor predisposition; Hereditary Cancer Syndrome; Hereditary neoplastic syndrome. Identifiers: Orphanet 140162, MedGen C0027672, MeSH D009386, MONDO:0015356.

Submissions (2):

Labcorp Genetics (formerly Invitae), Labcorp
Classification: Uncertain significance for DICER1-related tumor predisposition. Last evaluated: 2024-10-18. Review status: criteria provided, single submitter. Criteria: Invitae Variant Classification Sherloc (09022015). Collection method: clinical testing. Allele origin: germline.
Comment: This variant, c.3423_3425del, results in the deletion of 1 amino acid(s) of the DICER1 protein (p.Ser1142del), but otherwise preserves the integrity of the reading frame. This variant is not present in population databases (gnomAD no frequency). This variant has not been reported in the literature in individuals affected with DICER1-related conditions. ClinVar contains an entry for this variant (Variation ID: 1731287). Experimental studies and prediction algorithms are not available or were not evaluated, and the functional significance of this variant is currently unknown. In summary, the available evidence is currently insufficient to determine the role of this variant in disease. Therefore, it has been classified as a Variant of Uncertain Significance.

Ambry Genetics
Classification: Uncertain significance for Hereditary cancer-predisposing syndrome. Last evaluated: 2021-07-30. Review status: criteria provided, single submitter. Criteria: Ambry Variant Classification Scheme 2023. Collection method: clinical testing. Allele origin: germline.
Comment: The c.3423_3425delCTC variant (also known as p.S1142del) is located in coding exon 20 of the DICER1 gene. This variant results from an in-frame CTC deletion at nucleotide positions 3423 to 3425. This results in the in-frame deletion of a serine residue at codon 1142. This amino acid position is not well conserved in available vertebrate species. In addition, this alteration is predicted to be neutral by in silico analysis (Choi Y et al. PLoS ONE. 2012; 7(10):e46688). Since supporting evidence is limited at this time, the clinical significance of this alteration remains unclear.

NM_177438.3(DICER1):c.3420CTC[1] (p.Ser1142del)

Gene: DICER1 (dicer 1, ribonuclease III; minus strand). Cytogenetic location: 14q32.13.
Variant type: Microsatellite.
Coding change: c.3420CTC[1] on transcript NM_177438.3 (MANE Select); one copy of the 3-base unit CTC starting at c.3420; the reference has two copies in a row; one copy, 3 bases deleted.
Protein change: p.Ser1142del; deletes serine 1142.
Molecular consequence: inframe deletion. On other transcripts: inframe indel (3), non-coding transcript variant (6).
Genome position (GRCh38, 1-based): chr14:95,103,971-95,103,973, GAG deleted on the plus strand (CTC on the coding strand, the reverse complement: DICER1 is on the minus strand); deleting any 3 consecutive bases within chr14:95,103,971-95,103,977 gives the same sequence; the position shown is the placement nearest the transcript's 3' end. VCF-style (leftmost placement, unchanged base first): chr14-95103970-AGAG-A. GRCh37 (hg19) VCF-style: chr14-95570307-AGAG-A.
Other names: c.3420CTC[1], p.Ser1142del (NM_001195573.1, NM_001271282.3, NM_001291628.2 and 12 more transcripts); c.3015CTC[1], p.Ser1007del (NM_001395687.1, NM_001395688.1, NM_001395689.1 and 2 more transcripts); c.3138CTC[1], p.Ser1048del (NM_001395686.1); c.3419_3421CCT[1], p.Ser1142del (NM_001395681.1, NM_177438.2); c.2853CTC[1], p.Ser953del (NM_001395691.1); c.1737CTC[1], p.Ser581del (NM_001395697.1); c.3423_3425delCTC (NM_177438.2); short protein forms S1007del, S1048del, S1142del, S581del, S953del.
Identifiers: ClinVar variation 1731287 (VCV001731287.4), dbSNP rs2542715252, ClinGen allele CA2580613746.